The following is an entry in ClinVar:

ClinVar aggregate classification (germline): Uncertain significance (0 of 4 stars; one submission).

Conditions:
Prostate cancer. Also called: Malignant tumor of prostate. Identifiers: Orphanet 1331, MedGen C0376358, MONDO:0008315, HP:0012125.

Submission:

Science for Life laboratory,  Karolinska Institutet
Classification: Uncertain significance for Malignant tumor of prostate. Review status: no assertion criteria provided. Collection method: not provided. Allele origin: somatic.
Comment: TumorID:SWE-8
ClinVar note: Converted during submission from Unknown to Uncertain significance.

NM_020361.5(CPA6):c.1217G>C (p.Gly406Ala)

Genes: ARFGEF1-DT (ARFGEF1 divergent transcript; plus strand), CPA6 (carboxypeptidase A6; minus strand). Cytogenetic location: 8q13.2.
Variant type: single nucleotide variant.
Coding change: c.1217G>C on transcript NM_020361.5 (MANE Select); coding-DNA position 1217, G replaced by C.
Protein change: p.Gly406Ala; replaces glycine 406 with alanine.
Molecular consequence: missense variant.
Genome position (GRCh38, 1-based): chr8:67,422,601, C>G on the plus strand (G>C on the coding strand, the complement: CPA6 is on the minus strand). VCF-style: chr8-67422601-C-G. GRCh37 (hg19) VCF-style: chr8-68334836-C-G.
Other names: short protein forms G406A.
Identifiers: ClinVar variation 161731 (VCV000161731.2), dbSNP rs193921039, ClinGen allele CA174683.
Genomic context (GRCh38, chr8:67,422,601, plus strand): 5'-TTCACAGCCAGCATAGTTTCTGTACAGGTGGGTTTGATGAGCATCTCTGGGAGTAAAAAT[C>G]CAAAATATCCAGTGTCACGTAGTTCGAAAGCAAATGCATAAGGTATTCCATTTTTGTAGG-3'
Protein context (NP_065094.3, residues 396-416): AFELRDTGYF[Gly406Ala]FLLPEMLIKP